The following is an entry in ClinVar:

NM_001042492.3(NF1):c.4469A>T (p.Asp1490Val)

Gene: NF1 (neurofibromin 1; plus strand). Cytogenetic location: 17q11.2.
Variant type: single nucleotide variant.
Coding change: c.4469A>T on transcript NM_001042492.3 (MANE Select); coding-DNA position 4469, A replaced by T.
Protein change: p.Asp1490Val; replaces aspartic acid 1490 with valine.
Molecular consequence: missense variant.
Genome position (GRCh38, 1-based): chr17:31,260,407, A>T. VCF-style: chr17-31260407-A-T. GRCh37 (hg19) VCF-style: chr17-29587425-A-T.
Other names: c.4406A>T, p.Asp1469Val (NM_000267.4); short protein forms D1469V, D1490V.
Identifiers: ClinVar variation 3343628 (VCV003343628.1).
Genomic context (GRCh38, chr17:31,260,407, plus strand): 5'-TAATGACTTTGCATTTTTGAAGGTTTTTCCTTGATATAGCATCTGATTGTCCTACAAGTG[A>T]TGCAGTAAATCATAGTCTTTCCTTCATAAGTGACGGCAATGTGCTTGCTTTACATCGTCT-3'
Protein context (NP_001035957.1, residues 1480-1500): LDIASDCPTS[Asp1490Val]AVNHSLSFIS

ClinVar aggregate classification (germline): Uncertain significance (1 of 4 stars; one submission).

gnomAD v4.1: 1 of 1,614,024 alleles (0.000062%); highest among the groups gnomAD compares: Non-Finnish European, 0.000085%; no homozygotes.

Submission:

GeneDx
Classification: Uncertain significance. Last evaluated: 2023-05-19. Review status: criteria provided, single submitter. Criteria: GeneDx Variant Classification Process June 2021. Collection method: clinical testing. Allele origin: germline. Affected: yes.
Comment: Not observed at significant frequency in large population cohorts (gnomAD); In silico analysis supports that this missense variant has a deleterious effect on protein structure/function; Has not been previously published as pathogenic or benign to our knowledge; This variant is associated with the following publications: (PMID: 22807134)